The following is an entry in ClinVar:

NM_000558.5(HBA1):c.153del (p.His51fs)

Genes: HBA1 (hemoglobin subunit alpha 1; plus strand), LOC106804613 (hemoglobin subunit alpha 1 recombination region; plus strand). Cytogenetic location: 16p13.3.
Variant type: Deletion.
Coding change: c.153del on transcript NM_000558.5 (MANE Select); coding-DNA position 153, one base deleted (C; older notation c.153delC).
Protein change: p.His51fs; shifts the reading frame from histidine 51.
Molecular consequence: frameshift variant.
Genome position (GRCh38, 1-based): chr16:176,986, C deleted. VCF-style (leftmost placement, unchanged base first): chr16-176985-AC-A. GRCh37 (hg19) VCF-style: chr16-226984-AC-A.
Other names: short protein forms H51fs.
Identifiers: ClinVar variation 4069041 (VCV004069041.2).

ClinVar aggregate classification (germline): Likely pathogenic (1 of 4 stars; one submission).

Conditions:
alpha Thalassemia. Also called: Alpha thalassemia spectrum. Identifiers: Orphanet 846, MedGen C0002312, MONDO:0011399, OMIM 604131.

Submission:

Natera, Inc.
Classification: Likely pathogenic for Alpha thalassemia. Last evaluated: 2025-05-27. Review status: criteria provided, single submitter. Criteria: Natera Variant Classification Schema (03/2026). Collection method: clinical testing. Allele origin: germline.
Comment: The c.153del variant in HBA1 is a frameshift variant predicted to shift the reading frame beginning at codon 51 and leads to a stop codon 17 codons downstream. This variant is expected to result in nonsense mediated decay, truncation, or a dysfunctional protein product. This variant is rare in the general population with a frequency below the threshold expected for the associated phenotype(s). Given the available evidence, this variant is classified as Likely Pathogenic.